The following is an entry in ClinVar:

NM_001297.5(CNGB1):c.2892+6C>T

Gene: CNGB1 (cyclic nucleotide gated channel subunit beta 1; minus strand). Cytogenetic location: 16q21.
Variant type: single nucleotide variant.
Coding change: c.2892+6C>T on transcript NM_001297.5 (MANE Select); 6 bases into the intron after coding-DNA position 2892, C replaced by T.
Molecular consequence: intron variant.
Genome position (GRCh38, 1-based): chr16:57,901,522, G>A on the plus strand (C>T on the coding strand, the complement: CNGB1 is on the minus strand). VCF-style: chr16-57901522-G-A. GRCh37 (hg19) VCF-style: chr16-57935426-G-A.
Other names: c.2874+6C>T (NM_001286130.2).
Identifiers: ClinVar variation 320067 (VCV000320067.16), dbSNP rs16942441, ClinGen allele CA8082787.

ClinVar aggregate classification (germline): Benign. Review status: criteria provided, multiple submitters, no conflicts (2 of 4 stars). 3 submissions from 3 submitters: Benign (3). Last evaluated 2026-02-02.

Conditions:
Retinitis pigmentosa (RP). Identifiers: Orphanet 791, MedGen C0035334, MeSH D012174, MONDO:0019200, OMIM 268000. Inheritance: Autosomal dominant, autosomal recessive and X linked inheritance.

Allele frequency attached by ClinVar (database versions not stated): gnomAD exomes 0.00282 and 0.00704; ExAC 0.00863; ESP Exome Variant Server 0.02737; gnomAD 0.02754 and 0.02927; TOPMed 0.03072; 1000 Genomes Project 0.03554; 1000 Genomes Project 30x 0.03732.
gnomAD v4.1: 8,470 of 1,614,054 alleles (0.52%); highest among the groups gnomAD compares: African/African-American, 9.7%; 386 homozygotes.

Submissions (3):

Labcorp Genetics (formerly Invitae), Labcorp
Classification: Benign. Last evaluated: 2026-02-02. Review status: criteria provided, single submitter. Criteria: Invitae Variant Classification Sherloc (09022015). Collection method: clinical testing. Allele origin: germline.

Illumina Laboratory Services, Illumina
Classification: Benign for Retinitis pigmentosa. Last evaluated: 2018-01-12. Review status: criteria provided, single submitter. Criteria: ICSL Variant Classification Criteria 13 December 2019. Collection method: clinical testing. Allele origin: germline.
Comment: This variant was observed in the ICSL laboratory as part of a predisposition screen in an ostensibly healthy population. It had not been previously curated by ICSL or reported in the Human Gene Mutation Database (HGMD: prior to June 1st, 2018), and was therefore a candidate for classification through an automated scoring system. Utilizing variant allele frequency, disease prevalence and penetrance estimates, and inheritance mode, an automated score was calculated to assess if this variant is too frequent to cause the disease. Based on the score and internal cut-off values, a variant classified as benign is not then subjected to further curation. The score for this variant resulted in a classification of benign for this disease.

Breakthrough Genomics
Classification: Benign. Review status: criteria provided, single submitter. Criteria: ACMG Guidelines, 2015. Collection method: not provided. Allele origin: germline. Inheritance: Autosomal recessive inheritance. Affected: yes.